The following is an entry in ClinVar:

NM_001165963.4(SCN1A):c.3620T>C (p.Leu1207Pro)

Genes: SCN1A (sodium voltage-gated channel alpha subunit 1; minus strand), LOC102724058 (uncharacterized LOC102724058; plus strand). Cytogenetic location: 2q24.3.
Variant type: single nucleotide variant.
Coding change: c.3620T>C on transcript NM_001165963.4 (MANE Select); coding-DNA position 3620, T replaced by C.
Protein change: p.Leu1207Pro; replaces leucine 1207 with proline.
Molecular consequence: missense variant. On other transcripts: non-coding transcript variant (1).
Genome position (GRCh38, 1-based): chr2:166,013,829, A>G on the plus strand (T>C on the coding strand, the complement: SCN1A is on the minus strand). VCF-style: chr2-166013829-A-G. GRCh37 (hg19) VCF-style: chr2-166870339-A-G.
Other names: c.3536T>C, p.Leu1179Pro (NM_001165964.3, NM_001353957.2, NM_001353958.2); c.3620T>C, p.Leu1207Pro (NM_001202435.3, NM_001353948.2); c.3587T>C, p.Leu1196Pro (NM_001353949.2, NM_001353950.2, NM_001353951.2 and 2 more transcripts); c.3584T>C, p.Leu1195Pro (NM_001353954.2, NM_001353955.2); c.3533T>C, p.Leu1178Pro (NM_001353960.2); c.1178T>C, p.Leu393Pro (NM_001353961.2); short protein forms L1196P, L1207P, L393P, L1178P, L1179P, L1195P.
Identifiers: ClinVar variation 68530 (VCV000068530.41), dbSNP rs121917963, ClinGen allele CA284925.

ClinVar aggregate classification (germline): Pathogenic/Likely pathogenic. Review status: criteria provided, multiple submitters, no conflicts (2 of 4 stars). 3 submissions from 3 submitters: Pathogenic (1); Likely pathogenic (1). 1 of the submissions does not count toward it. Last evaluated 2024-02-23.

Conditions:
Early-infantile DEE. Also called: Ohtahara syndrome; Early infantile epileptic encephalopathy with suppression bursts; Early infantile epileptic encephalopathy. Identifiers: Orphanet 1934, MedGen C0393706, MONDO:0800491.
Severe myoclonic epilepsy in infancy (DRVT). Also called: DEVELOPMENTAL AND EPILEPTIC ENCEPHALOPATHY 6A; Severe Myoclonic Epilepsy in Infancy (SMEI); Epileptic encephalopathy, early infantile, 6 (Dravet syndrome); SEVERE MYOCLONIC EPILEPSY OF INFANCY; Dravet syndrome. Identifiers: Orphanet 33069, MedGen C0751122, MONDO:0100135, OMIM 607208.

Submissions (3):

Labcorp Genetics (formerly Invitae), Labcorp
Classification: Pathogenic for Early-infantile DEE. Last evaluated: 2024-02-23. Review status: criteria provided, single submitter. Criteria: Invitae Variant Classification Sherloc (09022015). Collection method: clinical testing. Allele origin: germline.
Comment: This sequence change replaces leucine, which is neutral and non-polar, with proline, which is neutral and non-polar, at codon 1207 of the SCN1A protein (p.Leu1207Pro). This variant is not present in population databases (gnomAD no frequency). This missense change has been observed in individual(s) with clinical features of SCN1A-related conditions (PMID: 18413471, 30945278; Invitae). In at least one individual the variant was observed to be de novo. ClinVar contains an entry for this variant (Variation ID: 68530). Advanced modeling of protein sequence and biophysical properties (such as structural, functional, and spatial information, amino acid conservation, physicochemical variation, residue mobility, and thermodynamic stability) performed at Invitae indicates that this missense variant is expected to disrupt SCN1A protein function with a positive predictive value of 95%. For these reasons, this variant has been classified as Pathogenic.

CeGaT Center for Human Genetics Tuebingen
Classification: Likely pathogenic. Last evaluated: 2022-03-01. Review status: criteria provided, single submitter. Criteria: CeGaT Center For Human Genetics Tuebingen Variant Classification Criteria Version 2. Collection method: clinical testing. Allele origin: germline. Affected: yes. Observed: 1 variant allele.
Comment: SCN1A: PM2, PM6:Supporting, PP2, PP3, PS4:Supporting

UniProtKB/Swiss-Prot
No classification provided. Condition: Severe myoclonic epilepsy in infancy. Review status: no classification provided. Collection method: not provided. Allele origin: unknown. Not counted in ClinVar's aggregate classification.

Literature cited by the submitters: PubMed 18413471 (cited by Labcorp Genetics (formerly Invitae), Labcorp); PubMed 30945278 (cited by Labcorp Genetics (formerly Invitae), Labcorp).